The following is an entry in ClinVar:

ClinVar aggregate classification (germline): Likely benign. Review status: criteria provided, multiple submitters, no conflicts (2 of 4 stars). 7 submissions from 7 submitters: Likely benign (5). 2 of the submissions do not count toward it. Last evaluated 2026-03-24.

Conditions:
MFN2-related disorder. Also called: MFN2-related condition; MFN2-related disorders.
Inborn genetic diseases. Identifiers: MedGen C0950123, MeSH D030342.
Charcot-Marie-Tooth disease type 2. Also called: Charcot-Marie-Tooth type 2. Identifiers: Orphanet 64746, MedGen C0270914, MONDO:0018993.

Allele frequency attached by ClinVar (database versions not stated): ESP Exome Variant Server 0.00008; gnomAD 0.00008 and 0.00006; gnomAD exomes 0.00009 and 0.00011; ExAC 0.00012; TOPMed 0.00007.
gnomAD v4.1: 171 of 1,614,178 alleles (0.011%); highest among the groups gnomAD compares: East Asian, 0.24%; no homozygotes.

Submissions (7):

PreventionGenetics, part of Exact Sciences
Classification: Likely benign for MFN2-related condition. Last evaluated: 2026-03-24. Review status: criteria provided, single submitter. Criteria: ACMG Guidelines, 2015. Collection method: clinical testing. Allele origin: germline.
Comment: This variant is classified as likely benign based on ACMG/AMP sequence variant interpretation guidelines (Richards et al. 2015 PMID: 25741868, with internal and published modifications).

Labcorp Genetics (formerly Invitae), Labcorp
Classification: Likely benign for Charcot-Marie-Tooth disease type 2. Last evaluated: 2025-05-27. Review status: criteria provided, single submitter. Criteria: Invitae Variant Classification Sherloc (09022015). Collection method: clinical testing. Allele origin: germline.

Blueprint Genetics
Classification: Likely benign. Last evaluated: 2022-09-15. Review status: criteria provided, single submitter. Criteria: ACMG Guidelines, 2015. Collection method: clinical testing. Allele origin: germline.

GeneDx
Classification: Likely benign. Last evaluated: 2019-12-20. Review status: criteria provided, single submitter. Criteria: GeneDx Variant Classification Process June 2021. Collection method: clinical testing. Allele origin: germline. Affected: yes.

Ambry Genetics
Classification: Likely benign for Inborn genetic diseases. Last evaluated: 2019-07-11. Review status: criteria provided, single submitter. Criteria: Ambry Variant Classification Scheme 2023. Collection method: clinical testing. Allele origin: germline.

Clinical Genetics DNA and cytogenetics Diagnostics Lab, Erasmus MC, Erasmus Medical Center
Classification: Likely benign. Review status: no assertion criteria provided. Collection method: clinical testing. Allele origin: germline. Affected: yes. Study: VKGL Data-share Consensus. Not counted in ClinVar's aggregate classification.

Clinical Genetics, Academic Medical Center
Classification: Benign. Review status: no assertion criteria provided. Collection method: clinical testing. Allele origin: germline. Affected: yes. Study: VKGL Data-share Consensus. Not counted in ClinVar's aggregate classification.

NM_014874.4(MFN2):c.1779G>A (p.Ser593=)

Gene: MFN2 (mitofusin 2; plus strand). Cytogenetic location: 1p36.22.
Variant type: single nucleotide variant.
Coding change: c.1779G>A on transcript NM_014874.4 (MANE Select); coding-DNA position 1779, G replaced by A.
Protein change: p.Ser593=; no amino-acid change (serine 593 retained).
Molecular consequence: synonymous variant.
Genome position (GRCh38, 1-based): chr1:12,006,600, G>A. VCF-style: chr1-12006600-G-A. GRCh37 (hg19) VCF-style: chr1-12066657-G-A.
Other names: c.1779G>A, p.Ser593= (NM_001127660.2).
Identifiers: ClinVar variation 476767 (VCV000476767.20), dbSNP rs367623682, ClinGen allele CA599225.